The following is an entry in ClinVar:

NM_000127.3(EXT1):c.811T>C (p.Tyr271His)

Gene: EXT1 (exostosin glycosyltransferase 1; minus strand). Cytogenetic location: 8q24.11.
Variant type: single nucleotide variant.
Coding change: c.811T>C on transcript NM_000127.3 (MANE Select); coding-DNA position 811, T replaced by C.
Protein change: p.Tyr271His; replaces tyrosine 271 with histidine.
Molecular consequence: missense variant.
Genome position (GRCh38, 1-based): chr8:118,110,236, A>G on the plus strand (T>C on the coding strand, the complement: EXT1 is on the minus strand). VCF-style: chr8-118110236-A-G. GRCh37 (hg19) VCF-style: chr8-119122475-A-G.
Other names: short protein forms Y271H.
Identifiers: ClinVar variation 4854067 (VCV004854067.1).
Genomic context (GRCh38, chr8:118,110,236, plus strand): 5'-CCTCCCCGTTATGGACGTGATATAAGGCATTCCTGGTGTCTGATCCTATCCCTGTCAGGT[A>G]CCTCTTCCCCTTGAATACCAGCATGTACTTCCTGAGAGGAGGGATGGTGTTGAACTTCAA-3'
Protein context (NP_000118.2, residues 261-281): KYMLVFKGKR[Tyr271His]LTGIGSDTRN

ClinVar aggregate classification (germline): Uncertain significance (1 of 4 stars; one submission).

Conditions:
Exostoses, multiple, type 1 (EXT1). Also called: Hereditary Multiple Osteochondromatosis, Type I; EXOSTOSES, MULTIPLE, TYPE I. Identifiers: MedGen CN263289, MONDO:0007585, OMIM 133700.

Submission:

3billion
Classification: Uncertain significance for Exostoses, multiple, type 1. Last evaluated: 2025-05-28. Review status: criteria provided, single submitter. Criteria: ACMG Guidelines, 2015. Collection method: clinical testing. Allele origin: germline. Affected: yes.
Comment: The variant is not observed in the gnomAD v4.1.0 dataset. Predicted Consequence/Location: Missense variant. The majority of the known disease-causing variants of this gene are variants expected to result in premature termination of the protein. In silico tool predictions suggest damaging effect of the variant on gene or gene product [REVEL: 0.92 (>=0.6, sensitivity 0.68 and specificity 0.92)]. The same nucleotide change resulting in the same amino acid change has been previously reported to be associated with EXT1-related disorder (PMID: 17767039). Different missense changes at the same codon (p.Tyr271Asn, p.Tyr271Cys) have been reported to be associated with EXT1-related disorder (ClinVar ID: VCV000419313 /PMID: 19810120, 24532482). However the evidence of pathogenicity is insufficient at this time. Therefore, this variant is classified as VUS according to the recommendation of ACMG/AMP guideline.

Literature cited by the submitters: PubMed 17767039; PubMed 19810120.